The following is an entry in ClinVar:

ClinVar aggregate classification (germline): Uncertain significance. Review status: criteria provided, multiple submitters, no conflicts (2 of 4 stars). 2 submissions from 2 submitters: Uncertain significance (2). Last evaluated 2022-04-28.

Allele frequency attached by ClinVar (database versions not stated): gnomAD 0.00001 and 0.00003; gnomAD exomes 0.00001 and 0.00002; ExAC 0.00002; TOPMed 0.00003; 1000 Genomes Project 30x 0.00016; 1000 Genomes Project 0.00020.
gnomAD v4.1: 30 of 1,613,152 alleles (0.0019%); highest among the groups gnomAD compares: South Asian, 0.0044%; no homozygotes.

Submissions (2):

GeneDx
Classification: Uncertain significance. Last evaluated: 2022-04-28. Review status: criteria provided, single submitter. Criteria: GeneDx Variant Classification Process June 2021. Collection method: clinical testing. Allele origin: germline. Affected: yes.
Comment: Not observed at significant frequency in large population cohorts (gnomAD); In silico analysis supports that this missense variant has a deleterious effect on protein structure/function; Has not been previously published as pathogenic or benign to our knowledge

Labcorp Genetics (formerly Invitae), Labcorp
Classification: Uncertain significance. Last evaluated: 2021-04-10. Review status: criteria provided, single submitter. Criteria: Invitae Variant Classification Sherloc (09022015). Collection method: clinical testing. Allele origin: germline.
Comment: In summary, the available evidence is currently insufficient to determine the role of this variant in disease. Therefore, it has been classified as a Variant of Uncertain Significance. Algorithms developed to predict the effect of missense changes on protein structure and function are either unavailable or do not agree on the potential impact of this missense change (SIFT: "Deleterious"; PolyPhen-2: "Benign"; Align-GVGD: "Class C0"). This variant has not been reported in the literature in individuals with HERC1-related conditions. This variant is present in population databases (rs556294234, ExAC 0.009%). This sequence change replaces isoleucine with threonine at codon 608 of the HERC1 protein (p.Ile608Thr). The isoleucine residue is moderately conserved and there is a moderate physicochemical difference between isoleucine and threonine.

NM_003922.4(HERC1):c.1823T>C (p.Ile608Thr)

Gene: HERC1 (HECT and RLD domain containing E3 ubiquitin protein ligase family member 1; minus strand). Cytogenetic location: 15q22.31.
Variant type: single nucleotide variant.
Coding change: c.1823T>C on transcript NM_003922.4 (MANE Select); coding-DNA position 1823, T replaced by C.
Protein change: p.Ile608Thr; replaces isoleucine 608 with threonine.
Molecular consequence: missense variant.
Genome position (GRCh38, 1-based): chr15:63,753,037, A>G on the plus strand (T>C on the coding strand, the complement: HERC1 is on the minus strand). VCF-style: chr15-63753037-A-G. GRCh37 (hg19) VCF-style: chr15-64045236-A-G.
Other names: short protein forms I608T.
Identifiers: ClinVar variation 1522415 (VCV001522415.9), dbSNP rs556294234, ClinGen allele CA7606389.